The following is an entry in ClinVar:

NM_016156.6(MTMR2):c.1175T>C (p.Ile392Thr)

Gene: MTMR2 (myotubularin related protein 2; minus strand). Cytogenetic location: 11q21.
Variant type: single nucleotide variant.
Coding change: c.1175T>C on transcript NM_016156.6 (MANE Select); coding-DNA position 1175, T replaced by C.
Protein change: p.Ile392Thr; replaces isoleucine 392 with threonine.
Molecular consequence: missense variant.
Genome position (GRCh38, 1-based): chr11:95,847,718, A>G on the plus strand (T>C on the coding strand, the complement: MTMR2 is on the minus strand). VCF-style: chr11-95847718-A-G. GRCh37 (hg19) VCF-style: chr11-95580882-A-G.
Other names: c.959T>C, p.Ile320Thr (NM_001243571.2, NM_201278.3, NM_201281.3); short protein forms I392T, I320T.
Identifiers: ClinVar variation 476868 (VCV000476868.8), dbSNP rs1555060014, ClinGen allele CA382422846.

ClinVar aggregate classification (germline): Uncertain significance (1 of 4 stars; one submission).

Conditions:
Charcot-Marie-Tooth disease type 4. Also called: Charcot-Marie-Tooth, Type 4; Charcot-Marie-Tooth disease, type IV. Identifiers: Orphanet 64749, MedGen C4082197, MONDO:0018995.

Allele frequency attached by ClinVar (database versions not stated): gnomAD exomes below 0.00001.
gnomAD v4.1: 1 of 1,611,598 alleles (0.000062%); highest among the groups gnomAD compares: Non-Finnish European, 0.000085%; no homozygotes.

Submission:

Labcorp Genetics (formerly Invitae), Labcorp
Classification: Uncertain significance for Charcot-Marie-Tooth disease type 4. Last evaluated: 2022-07-26. Review status: criteria provided, single submitter. Criteria: Invitae Variant Classification Sherloc (09022015). Collection method: clinical testing. Allele origin: germline.
Comment: This sequence change replaces isoleucine, which is neutral and non-polar, with threonine, which is neutral and polar, at codon 392 of the MTMR2 protein (p.Ile392Thr). This variant is not present in population databases (gnomAD no frequency). This variant has not been reported in the literature in individuals affected with MTMR2-related conditions. ClinVar contains an entry for this variant (Variation ID: 476868). Advanced modeling of protein sequence and biophysical properties (such as structural, functional, and spatial information, amino acid conservation, physicochemical variation, residue mobility, and thermodynamic stability) performed at Invitae indicates that this missense variant is expected to disrupt MTMR2 protein function. In summary, the available evidence is currently insufficient to determine the role of this variant in disease. Therefore, it has been classified as a Variant of Uncertain Significance.